The following is an entry in ClinVar:

ClinVar aggregate classification (germline): Uncertain significance (1 of 4 stars; one submission).

Conditions:
MHC class I deficiency. Identifiers: Orphanet 34592, MedGen C6024714, MONDO:0011476.

Allele frequency attached by ClinVar (database versions not stated): TOPMed below 0.00001.
gnomAD v4.1: 11 of 1,612,658 alleles (0.00068%); highest among the groups gnomAD compares: Non-Finnish European, 0.00093%; no homozygotes.

Submission:

Labcorp Genetics (formerly Invitae), Labcorp
Classification: Uncertain significance for MHC class I deficiency 1. Last evaluated: 2024-10-15. Review status: criteria provided, single submitter. Criteria: Invitae Variant Classification Sherloc (09022015). Collection method: clinical testing. Allele origin: germline.
Comment: This sequence change replaces glycine, which is neutral and non-polar, with serine, which is neutral and polar, at codon 224 of the TAP1 protein (p.Gly224Ser). This variant is not present in population databases (gnomAD no frequency). This variant has not been reported in the literature in individuals affected with TAP1-related conditions. An algorithm developed to predict the effect of missense changes on protein structure and function outputs the following: PolyPhen-2: "Benign". The serine amino acid residue is found in multiple mammalian species, which suggests that this missense change does not adversely affect protein function. In summary, the available evidence is currently insufficient to determine the role of this variant in disease. Therefore, it has been classified as a Variant of Uncertain Significance.

NM_000593.6(TAP1):c.490G>A (p.Gly164Ser)

Gene: TAP1 (transporter 1, ATP binding cassette subfamily B member; minus strand). Cytogenetic location: 6p21.32.
Variant type: single nucleotide variant.
Coding change: c.490G>A on transcript NM_000593.6 (MANE Select); coding-DNA position 490, G replaced by A.
Protein change: p.Gly164Ser; replaces glycine 164 with serine.
Molecular consequence: missense variant.
Genome position (GRCh38, 1-based): chr6:32,853,147, C>T on the plus strand (G>A on the coding strand, the complement: TAP1 is on the minus strand). VCF-style: chr6-32853147-C-T. GRCh37 (hg19) VCF-style: chr6-32820924-C-T.
Other names: short protein forms G164S.
Identifiers: ClinVar variation 2867908 (VCV002867908.3), dbSNP rs1770902405, ClinGen allele CA363582143.